The following is an entry in ClinVar:

ClinVar aggregate classification (germline): Uncertain significance (1 of 4 stars; one submission).

gnomAD v4.1: 5 of 1,613,890 alleles (0.00031%); highest among the groups gnomAD compares: Non-Finnish European, 0.00042%; no homozygotes.

Submission:

Labcorp Genetics (formerly Invitae), Labcorp
Classification: Uncertain significance. Last evaluated: 2022-01-14. Review status: criteria provided, single submitter. Criteria: Invitae Variant Classification Sherloc (09022015). Collection method: clinical testing. Allele origin: germline.
Comment: This sequence change replaces glutamine, which is neutral and polar, with histidine, which is basic and polar, at codon 1359 of the TTC37 protein (p.Gln1359His). This variant is not present in population databases (gnomAD no frequency). This variant has not been reported in the literature in individuals affected with TTC37-related conditions. Algorithms developed to predict the effect of missense changes on protein structure and function (SIFT, PolyPhen-2, Align-GVGD) all suggest that this variant is likely to be tolerated. In summary, the available evidence is currently insufficient to determine the role of this variant in disease. Therefore, it has been classified as a Variant of Uncertain Significance.

NM_014639.4(SKIC3):c.4077G>C (p.Gln1359His)

Gene: SKIC3 (SKI3 subunit of superkiller complex; minus strand). Cytogenetic location: 5q15.
Variant type: single nucleotide variant.
Coding change: c.4077G>C on transcript NM_014639.4 (MANE Select); coding-DNA position 4077, G replaced by C.
Protein change: p.Gln1359His; replaces glutamine 1359 with histidine.
Molecular consequence: missense variant.
Genome position (GRCh38, 1-based): chr5:95,482,608, C>G on the plus strand (G>C on the coding strand, the complement: SKIC3 is on the minus strand). VCF-style: chr5-95482608-C-G. GRCh37 (hg19) VCF-style: chr5-94818312-C-G.
Other names: short protein forms Q1359H.
Identifiers: ClinVar variation 1376348 (VCV001376348.5), dbSNP rs143808504, ClinGen allele CA122823271.